The following is an entry in ClinVar:

ClinVar aggregate classification (germline): Uncertain significance. Review status: criteria provided, multiple submitters, no conflicts (2 of 4 stars). 7 submissions from 5 submitters: Uncertain significance (7). Last evaluated 2025-11-25.

Conditions:
MYH6-related disorder. Also called: MYH6-Related Disorders; MYH6-related condition.
MYH6-related cardiac defects.
Cardiovascular phenotype. Identifiers: MedGen CN230736.
Atrial septal defect 3 (ASD3). Identifiers: Orphanet 1478, MedGen C3279790, MONDO:0013567, OMIM 614089.
Dilated cardiomyopathy 1EE (CMD1EE). Identifiers: Orphanet 154, MedGen C2750466, MONDO:0013198, OMIM 613252.
Hypertrophic cardiomyopathy 14. Identifiers: MedGen C2750467, MONDO:0013197, OMIM 613251.

Allele frequency attached by ClinVar (database versions not stated): TOPMed 0.00002; ExAC 0.00003; gnomAD exomes 0.00003.
gnomAD v4.1: 19 of 1,614,072 alleles (0.0012%); highest among the groups gnomAD compares: South Asian, 0.0044%; no homozygotes.

Submissions (7):

PreventionGenetics, part of Exact Sciences
Classification: Uncertain significance for MYH6-related condition. Last evaluated: 2025-11-25. Review status: criteria provided, single submitter. Criteria: ACMG Guidelines, 2015. Collection method: clinical testing. Allele origin: germline.
Comment: The MYH6 c.2615G>A variant is predicted to result in the amino acid substitution p.Arg872His. This variant has been reported as a variant of uncertain significance in a cohort of individuals referred for genetic testing of cardiomyopathy and/or arrhythmia; however, detailed clinical information was not available (Supplement 2, Dellefave-Castillo et al. 2022. PubMed ID: 35947370). This variant is reported in 0.0065% of alleles in individuals of South Asian descent in gnomAD. At this time, the clinical significance of this variant is uncertain due to the absence of conclusive functional and genetic evidence.

GeneDx
Classification: Uncertain significance. Last evaluated: 2025-08-31. Review status: criteria provided, single submitter. Criteria: GeneDx Variant Classification Process June 2021. Collection method: clinical testing. Allele origin: germline. Affected: yes.
Comment: Identified in a patient with common arterial trunk, perimembranous VSD, and minor dysmorphisms; the variant was inherited from an unaffected father (PMID: 32037394); In silico analysis supports that this missense variant has a deleterious effect on protein structure/function; This variant is associated with the following publications: (PMID: 32037394, 38752340)

Ambry Genetics
Classification: Uncertain significance for Cardiovascular phenotype. Last evaluated: 2025-08-07. Review status: criteria provided, single submitter. Criteria: Ambry Variant Classification Scheme 2023. Collection method: clinical testing. Allele origin: germline.

Labcorp Genetics (formerly Invitae), Labcorp
Classification: Uncertain significance for Hypertrophic cardiomyopathy 14. Last evaluated: 2025-07-27. Review status: criteria provided, single submitter. Criteria: Invitae Variant Classification Sherloc (09022015). Collection method: clinical testing. Allele origin: germline.
Comment: This sequence change replaces arginine, which is basic and polar, with histidine, which is basic and polar, at codon 872 of the MYH6 protein (p.Arg872His). This variant is present in population databases (rs773162706, gnomAD 0.004%). This variant has not been reported in the literature in individuals affected with MYH6-related conditions. ClinVar contains an entry for this variant (Variation ID: 574886). Invitae Evidence Modeling of protein sequence and biophysical properties (such as structural, functional, and spatial information, amino acid conservation, physicochemical variation, residue mobility, and thermodynamic stability) indicates that this missense variant is not expected to disrupt MYH6 protein function with a negative predictive value of 80%. In summary, the available evidence is currently insufficient to determine the role of this variant in disease. Therefore, it has been classified as a Variant of Uncertain Significance.

Baylor Genetics
Classification: Uncertain significance for Dilated cardiomyopathy 1EE. Last evaluated: 2022-10-11. Review status: criteria provided, single submitter. Criteria: ACMG Guidelines, 2015. Collection method: clinical testing. Allele origin: unknown.

Baylor Genetics
Classification: Uncertain significance for MYH6-related cardiac defects. Last evaluated: 2022-10-11. Review status: criteria provided, single submitter. Criteria: ACMG Guidelines, 2015. Collection method: clinical testing. Allele origin: unknown.

Baylor Genetics
Classification: Uncertain significance for Atrial septal defect 3. Last evaluated: 2022-10-11. Review status: criteria provided, single submitter. Criteria: ACMG Guidelines, 2015. Collection method: clinical testing. Allele origin: unknown.

NM_002471.4(MYH6):c.2615G>A (p.Arg872His)

Gene: MYH6 (myosin heavy chain 6; minus strand). Cytogenetic location: 14q11.2.
Variant type: single nucleotide variant.
Coding change: c.2615G>A on transcript NM_002471.4 (MANE Select); coding-DNA position 2615, G replaced by A.
Protein change: p.Arg872His; replaces arginine 872 with histidine.
Molecular consequence: missense variant.
Genome position (GRCh38, 1-based): chr14:23,394,138, C>T on the plus strand (G>A on the coding strand, the complement: MYH6 is on the minus strand). VCF-style: chr14-23394138-C-T. GRCh37 (hg19) VCF-style: chr14-23863347-C-T.
Other names: short protein forms R872H.
Identifiers: ClinVar variation 574886 (VCV000574886.20), dbSNP rs773162706, ClinGen allele CA7115424.